The following is an entry in ClinVar:

ClinVar aggregate classification (germline): Likely benign. Review status: criteria provided, single submitter (1 of 4 stars). 2 submissions from 2 submitters: Likely benign (1). 1 of the submissions does not count toward it. Last evaluated 2026-01-02.

Conditions:
PODXL-related disorder. Also called: PODXL-related condition.

Allele frequency attached by ClinVar (database versions not stated): ESP Exome Variant Server 0.00008; gnomAD 0.00024 and 0.00025; TOPMed 0.00024; ExAC 0.00027; gnomAD exomes 0.00027; 1000 Genomes Project 30x 0.00078; 1000 Genomes Project 0.00080.
gnomAD v4.1: 648 of 1,613,936 alleles (0.04%); highest among the groups gnomAD compares: Admixed American, 0.058%; 1 homozygote.

Submissions (2):

Labcorp Genetics (formerly Invitae), Labcorp
Classification: Likely benign. Last evaluated: 2026-01-02. Review status: criteria provided, single submitter. Criteria: Invitae Variant Classification Sherloc (09022015). Collection method: clinical testing. Allele origin: germline.

PreventionGenetics, part of Exact Sciences
Classification: Likely benign for PODXL-related condition. Last evaluated: 2024-03-25. Review status: no assertion criteria provided. Collection method: clinical testing. Allele origin: germline. Not counted in ClinVar's aggregate classification.
Comment: This variant is classified as likely benign based on ACMG/AMP sequence variant interpretation guidelines (Richards et al. 2015 PMID: 25741868, with internal and published modifications).

NM_001018111.3(PODXL):c.270G>A (p.Pro90=)

Gene: PODXL (podocalyxin like; minus strand). Cytogenetic location: 7q32.3.
Variant type: single nucleotide variant.
Coding change: c.270G>A on transcript NM_001018111.3 (MANE Select); coding-DNA position 270, G replaced by A.
Protein change: p.Pro90=; no amino-acid change (proline 90 retained).
Molecular consequence: synonymous variant.
Genome position (GRCh38, 1-based): chr7:131,511,264, C>T on the plus strand (G>A on the coding strand, the complement: PODXL is on the minus strand). VCF-style: chr7-131511264-C-T. GRCh37 (hg19) VCF-style: chr7-131196023-C-T.
Other names: c.270G>A, p.Pro90= (NM_005397.4).
Identifiers: ClinVar variation 716122 (VCV000716122.10), dbSNP rs201949032, ClinGen allele CA4488738.
Genomic context (GRCh38, chr7:131,511,264, plus strand): 5'-TCCTCTAGCCACGGTAGTGTTGACTGGGCCTGAGACTTGCTGAGCCAGGGTTGTAGTCCC[C>T]GGTGAGTCACTGGATACACCAAGGGTGGTCGCCTTGACCGAGGCCAAGATTTCGTTGGCC-3'
Protein context (NP_001018121.1, residues 80-100): ATTLGVSSDS[Pro90=]GTTTLAQQVS